The following is an entry in ClinVar:

NM_015087.5(SPART):c.205C>T (p.Pro69Ser)

Gene: SPART (spartin; minus strand). Cytogenetic location: 13q13.3.
Variant type: single nucleotide variant.
Coding change: c.205C>T on transcript NM_015087.5 (MANE Select); coding-DNA position 205, C replaced by T.
Protein change: p.Pro69Ser; replaces proline 69 with serine.
Molecular consequence: missense variant.
Genome position (GRCh38, 1-based): chr13:36,335,626, G>A on the plus strand (C>T on the coding strand, the complement: SPART is on the minus strand). VCF-style: chr13-36335626-G-A. GRCh37 (hg19) VCF-style: chr13-36909763-G-A.
Other names: c.205C>T, p.Pro69Ser (NM_001142294.2, NM_001142295.2, NM_001142296.2); short protein forms P69S.
Identifiers: ClinVar variation 838293 (VCV000838293.7), dbSNP rs17854413, ClinGen allele CA6949674.

ClinVar aggregate classification (germline): Uncertain significance (1 of 4 stars; one submission).

Allele frequency attached by ClinVar (database versions not stated): gnomAD 0.00001 and 0.00002; TOPMed 0.00005.

Submission:

Labcorp Genetics (formerly Invitae), Labcorp
Classification: Uncertain significance. Last evaluated: 2025-08-15. Review status: criteria provided, single submitter. Criteria: Invitae Variant Classification Sherloc (09022015). Collection method: clinical testing. Allele origin: germline.
Comment: This sequence change replaces proline, which is neutral and non-polar, with serine, which is neutral and polar, at codon 69 of the SPART protein (p.Pro69Ser). This variant is present in population databases (rs17854413, gnomAD 0.006%). This variant has not been reported in the literature in individuals affected with SPART-related conditions. ClinVar contains an entry for this variant (Variation ID: 838293). Invitae Evidence Modeling of protein sequence and biophysical properties (such as structural, functional, and spatial information, amino acid conservation, physicochemical variation, residue mobility, and thermodynamic stability) indicates that this missense variant is not expected to disrupt SPART protein function with a negative predictive value of 80%. In summary, the available evidence is currently insufficient to determine the role of this variant in disease. Therefore, it has been classified as a Variant of Uncertain Significance.